The following is an entry in ClinVar:

NM_005802.5(TOPORS):c.119G>T (p.Cys40Phe)

Gene: TOPORS (TOP1 binding arginine/serine rich protein, E3 ubiquitin ligase; minus strand). Cytogenetic location: 9p21.1.
Variant type: single nucleotide variant.
Coding change: c.119G>T on transcript NM_005802.5 (MANE Select); coding-DNA position 119, G replaced by T.
Protein change: p.Cys40Phe; replaces cysteine 40 with phenylalanine.
Molecular consequence: missense variant. On other transcripts: intron variant (1).
Genome position (GRCh38, 1-based): chr9:32,550,853, C>A on the plus strand (G>T on the coding strand, the complement: TOPORS is on the minus strand). VCF-style: chr9-32550853-C-A. GRCh37 (hg19) VCF-style: chr9-32550851-C-A.
Other names: c.3+1581G>T (NM_001195622.2); short protein forms C40F.
Identifiers: ClinVar variation 1720407 (VCV001720407.5), dbSNP rs745350890, ClinGen allele CA373173522.

ClinVar aggregate classification (germline): Uncertain significance (1 of 4 stars; one submission).

Submission:

Labcorp Genetics (formerly Invitae), Labcorp
Classification: Uncertain significance. Last evaluated: 2025-06-17. Review status: criteria provided, single submitter. Criteria: Invitae Variant Classification Sherloc (09022015). Collection method: clinical testing. Allele origin: germline.
Comment: This sequence change replaces cysteine, which is neutral and slightly polar, with phenylalanine, which is neutral and non-polar, at codon 40 of the TOPORS protein (p.Cys40Phe). This variant is not present in population databases (gnomAD no frequency). This variant has not been reported in the literature in individuals affected with TOPORS-related conditions. ClinVar contains an entry for this variant (Variation ID: 1720407). An algorithm developed to predict the effect of missense changes on protein structure and function (PolyPhen-2) suggests that this variant is likely to be disruptive. In summary, the available evidence is currently insufficient to determine the role of this variant in disease. Therefore, it has been classified as a Variant of Uncertain Significance.